The following is an entry in ClinVar:

ClinVar aggregate classification (germline): Uncertain significance (1 of 4 stars; one submission).

Submission:

GeneDx
Classification: Uncertain significance. Last evaluated: 2019-12-05. Review status: criteria provided, single submitter. Criteria: GeneDx Variant Classification Process June 2021. Collection method: clinical testing. Allele origin: germline. Affected: yes.
Comment: In-frame deletion of 2 amino acids and insertion of 6 amino acids in a non-repeat region; Not observed in large population cohorts (Lek et al., 2016); In silico analysis, which includes protein predictors and evolutionary conservation, supports a deleterious effect; Has not been previously published as pathogenic or benign to our knowledge

NM_022124.6(CDH23):c.6254_6256delinsCTACTCCCTTTTCCC (p.Gly2085_Phe2086delinsAlaThrProPheSerLeu)

Gene: CDH23 (cadherin related 23; plus strand). Cytogenetic location: 10q22.1.
Variant type: Indel.
Coding change: c.6254_6256delinsCTACTCCCTTTTCCC on transcript NM_022124.6 (MANE Select); coding-DNA positions 6254 to 6256, GAT replaced by CTACTCCCTTTTCCC.
Protein change: p.Gly2085_Phe2086delinsAlaThrProPheSerLeu.
Molecular consequence: inframe indel.
Genome position (GRCh38, 1-based): chr10:71,793,182-71,793,184, GAT replaced by CTACTCCCTTTTCCC. VCF-style: chr10-71793182-GAT-CTACTCCCTTTTCCC. GRCh37 (hg19) VCF-style: chr10-73552939-GAT-CTACTCCCTTTTCCC.
Identifiers: ClinVar variation 1311064 (VCV001311064.2), dbSNP rs2132953248, ClinGen allele CA2573053291.